The following is an entry in ClinVar:

NM_001128148.3(TFRC):c.972_980del (p.Arg325_Ser327del)

Gene: TFRC (transferrin receptor; minus strand). Cytogenetic location: 3q29.
Variant type: Deletion.
Coding change: c.972_980del on transcript NM_001128148.3 (MANE Select); coding-DNA positions 972 to 980, 9 bases deleted (TCGGTCATC; older notation c.972_980delTCGGTCATC).
Protein change: p.Arg325_Ser327del.
Genome position (GRCh38, 1-based): chr3:196,067,578-196,067,586, GATGACCGA deleted on the plus strand (TCGGTCATC on the coding strand, the reverse complement: TFRC is on the minus strand); deleting any 9 consecutive bases within chr3:196,067,578-196,067,590 gives the same sequence; the c. name uses the placement nearest the transcript's 3' end. VCF-style (leftmost placement, unchanged base first): chr3-196067577-TGATGACCGA-T. GRCh37 (hg19) VCF-style: chr3-195794448-TGATGACCGA-T.
Other names: c.729_737del, p.Arg244_Ser246del (NM_001313965.2); c.126_134del, p.Arg43_Ser45del (NM_001313966.2); c.972_980del, p.Arg325_Ser327del (NM_003234.4).
Identifiers: ClinVar variation 4767281 (VCV004767281.1).

ClinVar aggregate classification (germline): Uncertain significance (1 of 4 stars; one submission).

Submission:

Labcorp Genetics (formerly Invitae), Labcorp
Classification: Uncertain significance. Last evaluated: 2025-12-08. Review status: criteria provided, single submitter. Criteria: Invitae Variant Classification Sherloc (09022015). Collection method: clinical testing. Allele origin: germline.
Comment: This variant, c.972_980del, results in the deletion of 3 amino acid(s) of the TFRC protein (p.Arg325_Ser327del), but otherwise preserves the integrity of the reading frame. This variant is present in population databases (no rsID available, gnomAD 0.002%). This variant has not been reported in the literature in individuals affected with TFRC-related conditions. Experimental studies and prediction algorithms are not available or were not evaluated, and the functional significance of this variant is currently unknown. In summary, the available evidence is currently insufficient to determine the role of this variant in disease. Therefore, it has been classified as a Variant of Uncertain Significance.